The following is an entry in ClinVar:

ClinVar aggregate classification (germline): Uncertain significance. Review status: criteria provided, multiple submitters, no conflicts (2 of 4 stars). 2 submissions from 2 submitters: Uncertain significance (2). Last evaluated 2024-10-08.

Conditions:
Proline dehydrogenase deficiency (HYRPRO1). Also called: Hyperprolinemia type 1; PROLINE OXIDASE DEFICIENCY. Identifiers: Orphanet 419, MedGen C0268529, MONDO:0009400, OMIM 239500.
Schizophrenia 4 (SCZD4). Also called: SCHIZOPHRENIA, SUSCEPTIBILITY TO, 4; SCHIZOPHRENIA SUSCEPTIBILITY LOCUS, CHROMOSOME 22q11-RELATED. Identifiers: MedGen C1833247, MONDO:0010943, OMIM 600850.

Allele frequency attached by ClinVar (database versions not stated): ExAC 0.00002.

Submissions (2):

Labcorp Genetics (formerly Invitae), Labcorp
Classification: Uncertain significance for Proline dehydrogenase deficiency. Last evaluated: 2024-10-08. Review status: criteria provided, single submitter. Criteria: Invitae Variant Classification Sherloc (09022015). Collection method: clinical testing. Allele origin: germline.
Comment: This sequence change replaces arginine, which is basic and polar, with glutamine, which is neutral and polar, at codon 362 of the PRODH protein (p.Arg362Gln). This variant is present in population databases (rs772586346, gnomAD 0.003%). This variant has not been reported in the literature in individuals affected with PRODH-related conditions. ClinVar contains an entry for this variant (Variation ID: 2080257). Invitae Evidence Modeling of protein sequence and biophysical properties (such as structural, functional, and spatial information, amino acid conservation, physicochemical variation, residue mobility, and thermodynamic stability) indicates that this missense variant is expected to disrupt PRODH protein function with a positive predictive value of 80%. In summary, the available evidence is currently insufficient to determine the role of this variant in disease. Therefore, it has been classified as a Variant of Uncertain Significance.

Fulgent Genetics
Classification: Uncertain significance for Proline dehydrogenase deficiency; Schizophrenia 4. Last evaluated: 2024-06-11. Review status: criteria provided, single submitter. Criteria: ACMG Guidelines, 2015. Collection method: clinical testing. Allele origin: germline.

NM_016335.6(PRODH):c.1085G>A (p.Arg362Gln)

Gene: PRODH (proline dehydrogenase 1; minus strand). Cytogenetic location: 22q11.21.
Variant type: single nucleotide variant.
Coding change: c.1085G>A on transcript NM_016335.6 (MANE Select); coding-DNA position 1085, G replaced by A.
Protein change: p.Arg362Gln; replaces arginine 362 with glutamine.
Molecular consequence: missense variant.
Genome position (GRCh38, 1-based): chr22:18,919,725, C>T on the plus strand (G>A on the coding strand, the complement: PRODH is on the minus strand). VCF-style: chr22-18919725-C-T. GRCh37 (hg19) VCF-style: chr22-18907238-C-T.
Other names: c.761G>A, p.Arg254Gln (NM_001195226.2, NM_001368250.2); short protein forms R362Q, R254Q.
Identifiers: ClinVar variation 2080257 (VCV002080257.5), dbSNP rs772586346, ClinGen allele CA10095116.